The following is an entry in ClinVar:

NM_021625.5(TRPV4):c.1846C>T (p.Arg616Ter)

Gene: TRPV4 (transient receptor potential cation channel subfamily V member 4; minus strand). Cytogenetic location: 12q24.11.
Variant type: single nucleotide variant.
Coding change: c.1846C>T on transcript NM_021625.5 (MANE Select); coding-DNA position 1846, C replaced by T.
Protein change: p.Arg616Ter; replaces arginine 616 with a stop codon.
Molecular consequence: nonsense.
Genome position (GRCh38, 1-based): chr12:109,792,408, G>A on the plus strand (C>T on the coding strand, the complement: TRPV4 is on the minus strand). VCF-style: chr12-109792408-G-A. GRCh37 (hg19) VCF-style: chr12-110230213-G-A.
Other names: c.1666C>T, p.Arg556Ter (NM_147204.3); c.1705C>T, p.Arg569Ter (NM_001177428.2); c.1744C>T, p.Arg582Ter (NM_001177431.2); c.1525C>T, p.Arg509Ter (NM_001177433.2); short protein forms R509*, R556*, R569*, R582*, R616*.
Identifiers: ClinVar variation 916858 (VCV000916858.9), dbSNP rs545966662, ClinGen allele CA6780078.

ClinVar aggregate classification (germline): Conflicting classifications of pathogenicity. Review status: criteria provided, conflicting classifications (1 of 4 stars). 3 submissions from 3 submitters: Uncertain significance (2); Likely benign (1). Last evaluated 2025-01-15.

Conditions:
Charcot-Marie-Tooth disease. Also called: Charcot-Marie-Tooth Hereditary Neuropathy; Charcot-Marie-Tooth Neuropathy. Identifiers: Orphanet 166, MedGen C0007959, MONDO:0015626.
Inborn genetic diseases. Identifiers: MedGen C0950123, MeSH D030342.
Charcot-Marie-Tooth disease axonal type 2C (HMSN2C). Also called: Charcot-Marie-Tooth Disease Type 2, TRPV4-Related (CMT2C); CHARCOT-MARIE-TOOTH DISEASE, AXONAL, AUTOSOMAL DOMINANT, TYPE 2C; Charcot-Marie-Tooth Neuropathy Type 2C. Identifiers: Orphanet 99937, MedGen C1853710, MONDO:0011633, OMIM 606071.

Allele frequency attached by ClinVar (database versions not stated): TOPMed 0.00002; gnomAD exomes 0.00003 and 0.00005; ExAC 0.00004; 1000 Genomes Project 30x 0.00016; 1000 Genomes Project 0.00020.
gnomAD v4.1: 45 of 1,613,934 alleles (0.0028%); highest among the groups gnomAD compares: South Asian, 0.013%; no homozygotes.

Submissions (3):

Molecular Genetics Laboratory, London Health Sciences Centre
Classification: Uncertain significance for Charcot-Marie-Tooth disease. Last evaluated: 2025-01-15. Review status: criteria provided, single submitter. Criteria: ACMG Guidelines, 2015. Collection method: clinical testing. Allele origin: germline. Inheritance: Autosomal dominant inheritance. Affected: yes.
Comment: The mechanism of disease for CMT is GOF.

Labcorp Genetics (formerly Invitae), Labcorp
Classification: Uncertain significance for Charcot-Marie-Tooth disease axonal type 2C. Last evaluated: 2023-08-03. Review status: criteria provided, single submitter. Criteria: Invitae Variant Classification Sherloc (09022015). Collection method: clinical testing. Allele origin: germline.
Comment: This sequence change creates a premature translational stop signal (p.Arg616*) in the TRPV4 gene. It is expected to result in an absent or disrupted protein product. However, the current clinical and genetic evidence is not sufficient to establish whether loss-of-function variants in TRPV4 cause disease. This variant is present in population databases (rs545966662, gnomAD 0.02%). In summary, the available evidence is currently insufficient to determine the role of this variant in disease. Therefore, it has been classified as a Variant of Uncertain Significance. ClinVar contains an entry for this variant (Variation ID: 916858). This premature translational stop signal has been observed in individual(s) with clinical features of Charcot-Marie-Tooth disease (PMID: 32376792).

Ambry Genetics
Classification: Likely benign for Inborn genetic diseases. Last evaluated: 2022-10-04. Review status: criteria provided, single submitter. Criteria: Ambry Variant Classification Scheme 2023. Collection method: clinical testing. Allele origin: germline.

Literature cited by the submitters: PubMed 32471994 (cited by Molecular Genetics Laboratory, London Health Sciences Centre); PubMed 32376792 (cited by Labcorp Genetics (formerly Invitae), Labcorp).